The following is an entry in ClinVar:

ClinVar aggregate classification (germline): Uncertain significance (1 of 4 stars; one submission).

Conditions:
Glycogen storage disease IXd (GSD9D). Also called: GSD IXd; Muscle Phosphorylase Kinase Deficiency. Identifiers: Orphanet 715, MedGen C1845151, MONDO:0010362, OMIM 300559.

Submission:

Labcorp Genetics (formerly Invitae), Labcorp
Classification: Uncertain significance for Glycogen storage disease IXd. Last evaluated: 2022-07-17. Review status: criteria provided, single submitter. Criteria: Invitae Variant Classification Sherloc (09022015). Collection method: clinical testing. Allele origin: germline.
Comment: This variant results in a copy number gain of the genomic region encompassing exon(s) 3-10 of the PHKA1 gene. While the exact position of this variant cannot be determined from the data, sub-genic copy number gains are generally in tandem (PMID: 25640679). This variant is predicted to be in-frame, and likely preserves the integrity of the reading frame. This variant has not been reported in the literature in individuals affected with PHKA1-related conditions. Experimental studies and prediction algorithms are not available or were not evaluated, and the functional significance of this variant is currently unknown. In summary, the available evidence is currently insufficient to determine the role of this variant in disease. Therefore, it has been classified as a Variant of Uncertain Significance.

Literature cited by the submitters: PubMed 25640679.

NC_000023.10:g.(?_71875950)_(71925114_?)dup

Gene: PHKA1 (phosphorylase kinase regulatory subunit alpha 1; minus strand). Cytogenetic location: Xq13.2.
Variant type: Duplication.
Identifiers: ClinVar variation 2424507 (VCV002424507.6).